The following is an entry in ClinVar:

NM_002471.4(MYH6):c.2173C>T (p.Arg725Cys)

Gene: MYH6 (myosin heavy chain 6; minus strand). Cytogenetic location: 14q11.2.
Variant type: single nucleotide variant.
Coding change: c.2173C>T on transcript NM_002471.4 (MANE Select); coding-DNA position 2173, C replaced by T.
Protein change: p.Arg725Cys; replaces arginine 725 with cysteine.
Molecular consequence: missense variant.
Genome position (GRCh38, 1-based): chr14:23,396,813, G>A on the plus strand (C>T on the coding strand, the complement: MYH6 is on the minus strand). VCF-style: chr14-23396813-G-A. GRCh37 (hg19) VCF-style: chr14-23866022-G-A.
Other names: short protein forms R725C.
Identifiers: ClinVar variation 840460 (VCV000840460.10), dbSNP rs748667312, ClinGen allele CA7115555.

ClinVar aggregate classification (germline): Uncertain significance. Review status: criteria provided, multiple submitters, no conflicts (2 of 4 stars). 2 submissions from 2 submitters: Uncertain significance (2). Last evaluated 2023-12-05.

Conditions:
Hypertrophic cardiomyopathy 14. Identifiers: MedGen C2750467, MONDO:0013197, OMIM 613251.

Allele frequency attached by ClinVar (database versions not stated): ExAC 0.00002; gnomAD exomes 0.00002.
gnomAD v4.1: 15 of 1,613,968 alleles (0.00093%); highest among the groups gnomAD compares: South Asian, 0.013%; no homozygotes.

Submissions (2):

GeneDx
Classification: Uncertain significance. Last evaluated: 2023-12-05. Review status: criteria provided, single submitter. Criteria: GeneDx Variant Classification Process June 2021. Collection method: clinical testing. Allele origin: germline. Affected: yes.
Comment: Not observed at significant frequency in large population cohorts (gnomAD); In silico analysis supports that this missense variant has a deleterious effect on protein structure/function; This variant is associated with the following publications: (PMID: 35784482)

Labcorp Genetics (formerly Invitae), Labcorp
Classification: Uncertain significance for Hypertrophic cardiomyopathy 14. Last evaluated: 2019-11-21. Review status: criteria provided, single submitter. Criteria: Invitae Variant Classification Sherloc (09022015). Collection method: clinical testing. Allele origin: germline.
Comment: This variant has not been reported in the literature in individuals with MYH6-related conditions. This sequence change replaces arginine with cysteine at codon 725 of the MYH6 protein (p.Arg725Cys). The arginine residue is weakly conserved and there is a large physicochemical difference between arginine and cysteine. This variant is present in population databases (rs748667312, ExAC 0.02%). Algorithms developed to predict the effect of missense changes on protein structure and function are either unavailable or do not agree on the potential impact of this missense change (SIFT: "Deleterious"; PolyPhen-2: "Probably Damaging"; Align-GVGD: "Class C0"). In summary, the available evidence is currently insufficient to determine the role of this variant in disease. Therefore, it has been classified as a Variant of Uncertain Significance.